The following is an entry in ClinVar:

ClinVar aggregate classification (germline): Conflicting classifications of pathogenicity. Review status: criteria provided, conflicting classifications (1 of 4 stars). 2 submissions from 2 submitters: Uncertain significance (1); Likely benign (1). Last evaluated 2023-10-13.

Conditions:
Hereditary breast ovarian cancer syndrome. Also called: Hereditary breast and ovarian cancer syndrome (HBOC); BRCA1- and BRCA2-Associated Hereditary Breast and Ovarian Cancer; Hereditary breast and ovarian cancer syndrome; Breast and ovarian cancer; Hereditary breast and ovarian cancer; Hereditary breast and/or ovarian cancer syndrome. Identifiers: Orphanet 145, MedGen C0677776, MeSH D061325, MONDO:0003582. Disease mechanism: loss of function.
Hereditary cancer-predisposing syndrome. Also called: Hereditary neoplastic syndrome; Neoplastic Syndromes, Hereditary; Tumor predisposition; Hereditary Cancer Syndrome. Identifiers: Orphanet 140162, MedGen C0027672, MeSH D009386, MONDO:0015356.

Submissions (2):

Labcorp Genetics (formerly Invitae), Labcorp
Classification: Uncertain significance for Hereditary breast ovarian cancer syndrome. Last evaluated: 2023-10-13. Review status: criteria provided, single submitter. Criteria: Invitae Variant Classification Sherloc (09022015). Collection method: clinical testing. Allele origin: germline.
Comment: This sequence change replaces asparagine, which is neutral and polar, with tyrosine, which is neutral and polar, at codon 1501 of the BRCA2 protein (p.Asn1501Tyr). This variant is not present in population databases (gnomAD no frequency). This variant has not been reported in the literature in individuals affected with BRCA2-related conditions. ClinVar contains an entry for this variant (Variation ID: 531297). Advanced modeling of protein sequence and biophysical properties (such as structural, functional, and spatial information, amino acid conservation, physicochemical variation, residue mobility, and thermodynamic stability) performed at Invitae indicates that this missense variant is not expected to disrupt BRCA2 protein function. In summary, the available evidence is currently insufficient to determine the role of this variant in disease. Therefore, it has been classified as a Variant of Uncertain Significance.

University of Washington Department of Laboratory Medicine, University of Washington
Classification: Likely benign for Hereditary cancer-predisposing syndrome. Last evaluated: 2023-03-23. Review status: criteria provided, single submitter. Criteria: Dines et al. (Genet Med. 2020). Collection method: curation. Allele origin: germline.
Comment: Missense variant in a coldspot region where missense variants are very unlikely to be pathogenic (PMID:31911673).

BRCA2 exon 11 coldspot. Reclassification based on statistical prior probability.

NM_000059.4(BRCA2):c.4501A>T (p.Asn1501Tyr)

Gene: BRCA2 (BRCA2 DNA repair associated; plus strand). Cytogenetic location: 13q13.1.
Variant type: single nucleotide variant.
Coding change: c.4501A>T on transcript NM_000059.4 (MANE Select); coding-DNA position 4501, A replaced by T.
Protein change: p.Asn1501Tyr; replaces asparagine 1501 with tyrosine.
Molecular consequence: missense variant.
Genome position (GRCh38, 1-based): chr13:32,338,856, A>T. VCF-style: chr13-32338856-A-T. GRCh37 (hg19) VCF-style: chr13-32912993-A-T.
Other names: short protein forms N1501Y.
Identifiers: ClinVar variation 531297 (VCV000531297.10), dbSNP rs1555283811, ClinGen allele CA387781582.